The following is an entry in ClinVar:

ClinVar aggregate classification (germline): Uncertain significance. Review status: criteria provided, multiple submitters, no conflicts (2 of 4 stars). 4 submissions from 4 submitters: Uncertain significance (4). Last evaluated 2025-11-24.

Conditions:
Hereditary cancer-predisposing syndrome. Also called: Neoplastic Syndromes, Hereditary; Tumor predisposition; Hereditary Cancer Syndrome; Hereditary neoplastic syndrome. Identifiers: Orphanet 140162, MedGen C0027672, MeSH D009386, MONDO:0015356.
Nijmegen breakage syndrome-like disorder (NBSLD). Also called: MICROCEPHALY AND SPONTANEOUS CHROMOSOME INSTABILITY WITHOUT IMMUNODEFICIENCY; NBS-LIKE DISORDER; RAD50 DEFICIENCY. Identifiers: Orphanet 240760, MedGen C2751318, MONDO:0013118, OMIM 613078.

Allele frequency attached by ClinVar (database versions not stated): gnomAD exomes below 0.00001; TOPMed below 0.00001; ExAC 0.00001; gnomAD 0.00001.
gnomAD v4.1: 3 of 1,610,864 alleles (0.00019%); highest among the groups gnomAD compares: Non-Finnish European, 0.00025%; no homozygotes.

Submissions (4):

Ambry Genetics
Classification: Uncertain significance for Hereditary cancer-predisposing syndrome. Last evaluated: 2025-11-24. Review status: criteria provided, single submitter. Criteria: Ambry Variant Classification Scheme 2023. Collection method: clinical testing. Allele origin: germline.
Comment: The p.E115G variant (also known as c.344A>G), located in coding exon 3 of the RAD50 gene, results from an A to G substitution at nucleotide position 344. The glutamic acid at codon 115 is replaced by glycine, an amino acid with similar properties. This amino acid position is highly conserved in available vertebrate species. In addition, this alteration is predicted to be deleterious by in silico analysis. Since supporting evidence is limited at this time, the clinical significance of this alteration remains unclear.

Labcorp Genetics (formerly Invitae), Labcorp
Classification: Uncertain significance for Hereditary cancer-predisposing syndrome. Last evaluated: 2024-05-22. Review status: criteria provided, single submitter. Criteria: Invitae Variant Classification Sherloc (09022015). Collection method: clinical testing. Allele origin: germline.
Comment: This sequence change replaces glutamic acid, which is acidic and polar, with glycine, which is neutral and non-polar, at codon 115 of the RAD50 protein (p.Glu115Gly). This variant is present in population databases (rs749567681, gnomAD 0.002%). This variant has not been reported in the literature in individuals affected with RAD50-related conditions. ClinVar contains an entry for this variant (Variation ID: 186438). Advanced modeling of protein sequence and biophysical properties (such as structural, functional, and spatial information, amino acid conservation, physicochemical variation, residue mobility, and thermodynamic stability) performed at Invitae indicates that this missense variant is expected to disrupt RAD50 protein function with a positive predictive value of 80%. RNA analysis performed to evaluate the impact of this missense change on mRNA splicing indicates it does not significantly alter splicing (Invitae). In summary, the available evidence is currently insufficient to determine the role of this variant in disease. Therefore, it has been classified as a Variant of Uncertain Significance.

Baylor Genetics
Classification: Uncertain significance for Nijmegen breakage syndrome-like disorder. Last evaluated: 2023-11-21. Review status: criteria provided, single submitter. Criteria: ACMG Guidelines, 2015. Collection method: clinical testing. Allele origin: unknown.

Fulgent Genetics
Classification: Uncertain significance for Nijmegen breakage syndrome-like disorder. Last evaluated: 2022-03-02. Review status: criteria provided, single submitter. Criteria: ACMG Guidelines, 2015. Collection method: clinical testing. Allele origin: unknown.

NM_005732.4(RAD50):c.344A>G (p.Glu115Gly)

Gene: RAD50 (RAD50 double strand break repair protein; plus strand). Cytogenetic location: 5q31.1.
Variant type: single nucleotide variant.
Coding change: c.344A>G on transcript NM_005732.4 (MANE Select); coding-DNA position 344, A replaced by G.
Protein change: p.Glu115Gly; replaces glutamic acid 115 with glycine.
Molecular consequence: missense variant.
Genome position (GRCh38, 1-based): chr5:132,575,907, A>G. VCF-style: chr5-132575907-A-G. GRCh37 (hg19) VCF-style: chr5-131911599-A-G.
Other names: short protein forms E115G.
Identifiers: ClinVar variation 186438 (VCV000186438.17), dbSNP rs749567681, ClinGen allele CA194812.
Genomic context (GRCh38, chr5:132,575,907, plus strand): 5'-CTGTGCAAAGATCTATGGTGTGTACTCAGAAAAGCAAAAAGACAGAATTTAAAACTCTGG[A>G]AGGAGTCATTACTAGAACAAAGTAGGTGTTTATATGATATTTGAATTTCTGTTCATTTTC-3'
Protein context (NP_005723.2, residues 105-125): KSKKTEFKTL[Glu115Gly]GVITRTKHGE